The following is an entry in ClinVar:

ClinVar aggregate classification (germline): Uncertain significance (1 of 4 stars; one submission).

Conditions:
PURA-related severe neonatal hypotonia-seizures-encephalopathy syndrome (NEDRIHF). Also called: NEURODEVELOPMENTAL DISORDER WITH NEONATAL RESPIRATORY INSUFFICIENCY, HYPOTONIA, AND FEEDING DIFFICULTIES; PURA-Related Neurodevelopmental Disorders. Identifiers: Orphanet 438213, Orphanet 438216, MedGen C4015357, MONDO:1060108, OMIM 616158, MONDO:0018580.

Submission:

Labcorp Genetics (formerly Invitae), Labcorp
Classification: Uncertain significance for PURA-related severe neonatal hypotonia-seizures-encephalopathy syndrome. Last evaluated: 2022-01-15. Review status: criteria provided, single submitter. Criteria: Invitae Variant Classification Sherloc (09022015). Collection method: clinical testing. Allele origin: germline.
Comment: In summary, the available evidence is currently insufficient to determine the role of this variant in disease. Therefore, it has been classified as a Variant of Uncertain Significance. Algorithms developed to predict the effect of missense changes on protein structure and function are either unavailable or do not agree on the potential impact of this missense change (SIFT: "Deleterious"; PolyPhen-2: "Not Available"; Align-GVGD: "Class C0"). ClinVar contains an entry for this variant (Variation ID: 661144). This variant has not been reported in the literature in individuals affected with PURA-related conditions. This variant is not present in population databases (gnomAD no frequency). This sequence change replaces glutamic acid, which is acidic and polar, with valine, which is neutral and non-polar, at codon 317 of the PURA protein (p.Glu317Val).

NM_005859.5(PURA):c.950A>T (p.Glu317Val)

Gene: PURA (purine rich element binding protein A; plus strand). Cytogenetic location: 5q31.3.
Variant type: single nucleotide variant.
Coding change: c.950A>T on transcript NM_005859.5 (MANE Select); coding-DNA position 950, A replaced by T.
Protein change: p.Glu317Val; replaces glutamic acid 317 with valine.
Molecular consequence: missense variant.
Genome position (GRCh38, 1-based): chr5:140,115,131, A>T. VCF-style: chr5-140115131-A-T. GRCh37 (hg19) VCF-style: chr5-139494716-A-T.
Other names: short protein forms E317V.
Identifiers: ClinVar variation 661144 (VCV000661144.9), dbSNP rs1581036746, ClinGen allele CA361491943.
Genomic context (GRCh38, chr5:140,115,131, plus strand): 5'-AGCAGCAACAGCAGCAGCAGGAGGAGACCGCCGCTGCCACCCTGCTACTGCAGGGTGAGG[A>T]AGAAGGGGAAGAAGATTGATCAAACTGAATGAAACCCCCACACACACACACATGCATACA-3'
Protein context (NP_005850.1, residues 307-322): AAATLLLQGE[Glu317Val]EGEED